The following is an entry in ClinVar:

NM_018206.6(VPS35):c.204G>A (p.Met68Ile)

Gene: VPS35 (VPS35 retromer complex component; minus strand). Cytogenetic location: 16q11.2.
Variant type: single nucleotide variant.
Coding change: c.204G>A on transcript NM_018206.6 (MANE Select); coding-DNA position 204, G replaced by A.
Protein change: p.Met68Ile; replaces methionine 68 with isoleucine.
Molecular consequence: missense variant.
Genome position (GRCh38, 1-based): chr16:46,681,496, C>T on the plus strand (G>A on the coding strand, the complement: VPS35 is on the minus strand). VCF-style: chr16-46681496-C-T. GRCh37 (hg19) VCF-style: chr16-46715408-C-T.
Other names: short protein forms M68I.
Identifiers: ClinVar variation 429686 (VCV000429686.2), dbSNP rs1131691531, ClinGen allele CA395815020.

ClinVar aggregate classification (germline): Uncertain significance (1 of 4 stars; one submission).

Submission:

GeneDx
Classification: Uncertain significance. Last evaluated: 2017-05-15. Review status: criteria provided, single submitter. Criteria: GeneDx Variant Classification (06012015). Collection method: clinical testing. Allele origin: germline. Affected: yes.
Comment: The M68I variant in the VPS35 gene has not been reported previously as a pathogenic variant, nor as a benign variant, to our knowledge. The M68I variant is not observed in large population cohorts (Lek et al., 2016; 1000 Genomes Consortium et al., 2015; Exome Variant Server). The M68I variant is a conservative amino acid substitution, which is not likely to impact secondary protein structure as these residues share similar properties. However, this substitution occurs at a position that is conserved across species, and in silico analysis predicts this variant is probably damaging to the protein structure/function. We therefore interpret M68I as a variant of uncertain significance.